The following is an entry in ClinVar:

ClinVar aggregate classification (germline): Pathogenic (1 of 4 stars; one submission).

Conditions:
Breast-ovarian cancer, familial, susceptibility to, 2 (BROVCA2). Also called: BRCA2 Hereditary Breast and Ovarian Cancer. Identifiers: Orphanet 145, MedGen C2675520, MONDO:0012933, OMIM 612555. Disease mechanism: loss of function.

Submission:

Myriad Genetics, Inc.
Classification: Pathogenic for Breast-ovarian cancer, familial, susceptibility to, 2. Last evaluated: 2024-10-18. Review status: criteria provided, single submitter. Criteria: Myriad Autosomal Dominant, Autosomal Recessive and X-Linked Classification Criteria (2023). Collection method: clinical testing. Allele origin: unknown.
Comment: This variant is considered pathogenic. This variant creates a termination codon and is predicted to result in premature protein truncation.

NM_000059.4(BRCA2):c.6308del (p.Val2102_Ser2103insTer)

Gene: BRCA2 (BRCA2 DNA repair associated; plus strand). Cytogenetic location: 13q13.1.
Variant type: Deletion.
Coding change: c.6308del on transcript NM_000059.4 (MANE Select); coding-DNA position 6308, one base deleted (C; older notation c.6308delC).
Protein change: p.Val2102_Ser2103insTer.
Molecular consequence: nonsense. On other transcripts: non-coding transcript variant (1), intron variant (2).
Genome position (GRCh38, 1-based): chr13:32,340,663, C deleted. VCF-style (leftmost placement, unchanged base first): chr13-32340662-TC-T. GRCh37 (hg19) VCF-style: chr13-32914799-TC-T.
Other names: c.6308del, p.Val2102_Ser2103insTer (NM_001406719.1, NM_001406720.1, NM_001432077.1); c.1910-3895del (NM_001406721.1); c.425-3895del (NM_001406722.1).
Identifiers: ClinVar variation 3773154 (VCV003773154.1).
Genomic context (GRCh38, chr13:32,340,662, plus strand): 5'-TTTGATTTAATCAGAACTGAGCATAGTCTTCACTATTCACCTACGTCTAGACAAAATGTA[TC>T]AAAAATACTTCCTCGTGTTGATAAGAGAAACCCAGAGCACTGTGTAAACTCAGAAATGGA-3'